The following is an entry in ClinVar:

NM_000368.5(TSC1):c.3396C>T (p.Pro1132=)

Gene: TSC1 (TSC complex subunit 1; minus strand). Cytogenetic location: 9q34.13.
Variant type: single nucleotide variant.
Coding change: c.3396C>T on transcript NM_000368.5 (MANE Select); coding-DNA position 3396, C replaced by T.
Protein change: p.Pro1132=; no amino-acid change (proline 1132 retained).
Molecular consequence: synonymous variant.
Genome position (GRCh38, 1-based): chr9:132,896,334, G>A on the plus strand (C>T on the coding strand, the complement: TSC1 is on the minus strand). VCF-style: chr9-132896334-G-A. GRCh37 (hg19) VCF-style: chr9-135771721-G-A.
Other names: c.3393C>T, p.Pro1131= (NM_001162426.2); c.3243C>T, p.Pro1081= (NM_001162427.2); c.3033C>T, p.Pro1011= (NM_001362177.2).
Identifiers: ClinVar variation 416648 (VCV000416648.21), dbSNP rs774980129, ClinGen allele CA036720.

ClinVar aggregate classification (germline): Benign/Likely benign. Review status: criteria provided, multiple submitters, no conflicts (2 of 4 stars). 6 submissions from 6 submitters: Benign (2); Likely benign (4). Last evaluated 2025-12-08.

Conditions:
Tuberous sclerosis syndrome (TSC). Also called: Tuberous Sclerosis Complex; Tuberous sclerosis. Identifiers: Orphanet 805, MedGen C0041341, MONDO:0001734.
Hereditary cancer-predisposing syndrome. Also called: Tumor predisposition; Neoplastic Syndromes, Hereditary; Hereditary Cancer Syndrome; Hereditary neoplastic syndrome. Identifiers: Orphanet 140162, MedGen C0027672, MeSH D009386, MONDO:0015356.
Tuberous sclerosis 1 (TSC1). Identifiers: Orphanet 805, MedGen C1854465, MONDO:0008612, OMIM 191100.

Allele frequency attached by ClinVar (database versions not stated): ExAC 0.00001; gnomAD exomes 0.00001; gnomAD 0.00002; TOPMed 0.00002.
gnomAD v4.1: 9 of 1,614,062 alleles (0.00056%); highest among the groups gnomAD compares: African/African-American, 0.0067%; no homozygotes.

Submissions (6):

Labcorp Genetics (formerly Invitae), Labcorp
Classification: Likely benign for Tuberous sclerosis 1. Last evaluated: 2025-12-08. Review status: criteria provided, single submitter. Criteria: Invitae Variant Classification Sherloc (09022015). Collection method: clinical testing. Allele origin: germline.

Myriad Genetics, Inc.
Classification: Benign for Tuberous sclerosis 1. Last evaluated: 2025-04-30. Review status: criteria provided, single submitter. Criteria: Myriad Autosomal Dominant, Autosomal Recessive and X-Linked Classification Criteria (2023). Collection method: clinical testing. Allele origin: unknown.
Comment: This variant is considered benign. This variant is a silent/synonymous amino acid change and it is not expected to impact splicing.

All of Us Research Program, National Institutes of Health
Classification: Likely benign for Tuberous sclerosis syndrome. Last evaluated: 2023-04-27. Review status: criteria provided, single submitter. Criteria: ACMG Guidelines, 2015. Collection method: clinical testing. Allele origin: germline. Inheritance: Autosomal dominant inheritance. Observed: 2 variant alleles, 2 heterozygotes.
Comment: This study involves interpretation of variants in research participants for the purpose of population health screening. Participant phenotype was not available at the time of variant classification. Additional details can be found in publication PMID: 35346344, PMCID: PMC8962531

Color Diagnostics, LLC DBA Color Health
Classification: Likely benign for Tuberous sclerosis syndrome. Last evaluated: 2022-09-30. Review status: criteria provided, single submitter. Criteria: ACMG Guidelines, 2015. Collection method: clinical testing. Allele origin: germline.

Genome-Nilou Lab
Classification: Benign for Tuberous sclerosis 1. Last evaluated: 2021-11-07. Review status: criteria provided, single submitter. Criteria: ACMG Guidelines, 2015. Collection method: clinical testing. Allele origin: germline. Affected: no.

Ambry Genetics
Classification: Likely benign for Hereditary cancer-predisposing syndrome. Last evaluated: 2016-12-02. Review status: criteria provided, single submitter. Criteria: Ambry Variant Classification Scheme 2023. Collection method: clinical testing. Allele origin: germline.